The following is an entry in ClinVar:

NM_001035.3(RYR2):c.4292G>A (p.Arg1431Lys)

Gene: RYR2 (ryanodine receptor 2; plus strand). Cytogenetic location: 1q43.
Variant type: single nucleotide variant.
Coding change: c.4292G>A on transcript NM_001035.3 (MANE Select); coding-DNA position 4292, G replaced by A.
Protein change: p.Arg1431Lys; replaces arginine 1431 with lysine.
Molecular consequence: missense variant.
Genome position (GRCh38, 1-based): chr1:237,593,492, G>A. VCF-style: chr1-237593492-G-A. GRCh37 (hg19) VCF-style: chr1-237756792-G-A.
Other names: short protein forms R1431K.
Identifiers: ClinVar variation 2774291 (VCV002774291.3), dbSNP rs267598435, ClinGen allele CA39805586.

ClinVar aggregate classification (germline): Uncertain significance. Review status: criteria provided, multiple submitters, no conflicts (2 of 4 stars). 2 submissions from 2 submitters: Uncertain significance (2). Last evaluated 2024-03-06.

Conditions:
Cardiomyopathy (CMYO). Also called: Cardiomyopathies. Identifiers: Orphanet 167848, MedGen C0878544, MONDO:0004994, HP:0001638. Inheritance: Various modes of inheritance.
Catecholaminergic polymorphic ventricular tachycardia (CVPT). Also called: Catecholamine-induced polymorphic ventricular tachycardia. Identifiers: Orphanet 3286, MedGen C5574922, MONDO:0017990.

Allele frequency attached by ClinVar (database versions not stated): gnomAD exomes below 0.00001.
gnomAD v4.1: 1 of 1,613,184 alleles (0.000062%); highest among the groups gnomAD compares: East Asian, 0.0022%; no homozygotes.

Submissions (2):

Color Diagnostics, LLC DBA Color Health
Classification: Uncertain significance for Cardiomyopathy. Last evaluated: 2024-03-06. Review status: criteria provided, single submitter. Criteria: ACMG Guidelines, 2015. Collection method: clinical testing. Allele origin: germline.
Comment: This missense variant replaces arginine with lysine at codon 1431 of the RYR2 protein. Computational prediction suggests that this variant may not impact protein structure and function (internally defined REVEL score threshold <= 0.5, PMID: 27666373). To our knowledge, functional studies have not been reported for this variant. This variant has not been reported in individuals affected with cardiovascular disorders in the literature. This variant has been identified in 1/247868 chromosomes in the general population by the Genome Aggregation Database (gnomAD). The available evidence is insufficient to determine the role of this variant in disease conclusively. Therefore, this variant is classified as a Variant of Uncertain Significance.

All of Us Research Program, National Institutes of Health
Classification: Uncertain significance for Catecholaminergic polymorphic ventricular tachycardia. Last evaluated: 2024-01-11. Review status: criteria provided, single submitter. Criteria: ACMG Guidelines, 2015. Collection method: clinical testing. Allele origin: germline. Inheritance: Autosomal dominant inheritance. Observed: 1 variant allele, 1 heterozygote.
Comment: This missense variant replaces arginine with lysine at codon 1431 of the RYR2 protein. Computational prediction suggests that this variant may not impact protein structure and function (internally defined REVEL score threshold <= 0.5, PMID: 27666373). To our knowledge, functional studies have not been reported for this variant. This variant has not been reported in individuals affected with cardiovascular disorders in the literature. This variant has been identified in 1/247868 chromosomes in the general population by the Genome Aggregation Database (gnomAD). The available evidence is insufficient to determine the role of this variant in disease conclusively. Therefore, this variant is classified as a Variant of Uncertain Significance.

This study involves interpretation of variants in research participants for the purpose of population health screening. Participant phenotype was not available at the time of variant classification. Additional details can be found in publication PMID: 35346344, PMCID: PMC8962531